The following is an entry in ClinVar:

NM_001127392.3(MYRF):c.520C>T (p.Arg174Cys)

Gene: MYRF (myelin regulatory factor; plus strand). Cytogenetic location: 11q12.2.
Variant type: single nucleotide variant.
Coding change: c.520C>T on transcript NM_001127392.3 (MANE Select); coding-DNA position 520, C replaced by T.
Protein change: p.Arg174Cys; replaces arginine 174 with cysteine.
Molecular consequence: missense variant.
Genome position (GRCh38, 1-based): chr11:61,770,305, C>T. VCF-style: chr11-61770305-C-T. GRCh37 (hg19) VCF-style: chr11-61537777-C-T.
Other names: c.493C>T, p.Arg165Cys (NM_013279.4); c.520C>T (NM_001127392.2, NM_001127392.1); short protein forms R174C, R165C.
Identifiers: ClinVar variation 1986875 (VCV001986875.6), dbSNP rs903198733, ClinGen allele CA222928547.
Genomic context (GRCh38, chr11:61,770,305, plus strand): 5'-GAGCCCCACCTCCTGCGCACGATAACCCCTGAGACACTGTGCCACGTGGGAGTGCCCTCC[C>T]GCCTGGAGCATCCGCCCCCACCTCCAGCCCACTTGCCAGGCCCCCCGCCACCCCCACCAC-3'
Protein context (NP_001120864.1, residues 164-184): ETLCHVGVPS[Arg174Cys]LEHPPPPPAH

ClinVar aggregate classification (germline): Uncertain significance. Review status: criteria provided, multiple submitters, no conflicts (2 of 4 stars). 3 submissions from 3 submitters: Uncertain significance (3). Last evaluated 2024-03-19.

Conditions:
Inborn genetic diseases. Identifiers: MedGen C0950123, MeSH D030342.
MYRF-related disorder. Also called: MYRF-related disorders; MYRF-related condition.

Allele frequency attached by ClinVar (database versions not stated): gnomAD 0.00001; TOPMed 0.00002; gnomAD exomes 0.00003.
gnomAD v4.1: 38 of 1,603,822 alleles (0.0024%); highest among the groups gnomAD compares: South Asian, 0.0089%; no homozygotes.

Submissions (3):

Ambry Genetics
Classification: Uncertain significance for Inborn genetic diseases. Last evaluated: 2024-03-19. Review status: criteria provided, single submitter. Criteria: Ambry Variant Classification Scheme 2023. Collection method: clinical testing. Allele origin: germline.

PreventionGenetics, part of Exact Sciences
Classification: Uncertain significance for MYRF-related condition. Last evaluated: 2022-08-29. Review status: criteria provided, single submitter. Criteria: ACMG Guidelines, 2015. Collection method: clinical testing. Allele origin: germline.
Comment: The MYRF c.520C>T variant is predicted to result in the amino acid substitution p.Arg174Cys. To our knowledge, this variant has not been reported in the literature. This variant is reported in 0.0069% of alleles in individuals of South Asian descent in gnomAD. At this time, the clinical significance of this variant is uncertain due to the absence of conclusive functional and genetic evidence.

Labcorp Genetics (formerly Invitae), Labcorp
Classification: Uncertain significance. Last evaluated: 2022-05-26. Review status: criteria provided, single submitter. Criteria: Invitae Variant Classification Sherloc (09022015). Collection method: clinical testing. Allele origin: germline.
Comment: In summary, the available evidence is currently insufficient to determine the role of this variant in disease. Therefore, it has been classified as a Variant of Uncertain Significance. Algorithms developed to predict the effect of missense changes on protein structure and function are either unavailable or do not agree on the potential impact of this missense change (SIFT: "Deleterious"; PolyPhen-2: "Probably Damaging"; Align-GVGD: "Class C0"). This variant has not been reported in the literature in individuals affected with MYRF-related conditions. The frequency data for this variant in the population databases is considered unreliable, as metrics indicate poor data quality at this position in the gnomAD database. This sequence change replaces arginine, which is basic and polar, with cysteine, which is neutral and slightly polar, at codon 174 of the MYRF protein (p.Arg174Cys).